The following is an entry in ClinVar:

NM_004380.3(CREBBP):c.3956G>A (p.Arg1319Gln)

Gene: CREBBP (CREB binding lysine acetyltransferase; minus strand). Cytogenetic location: 16p13.3.
Variant type: single nucleotide variant.
Coding change: c.3956G>A on transcript NM_004380.3 (MANE Select); coding-DNA position 3956, G replaced by A.
Protein change: p.Arg1319Gln; replaces arginine 1319 with glutamine.
Molecular consequence: missense variant.
Genome position (GRCh38, 1-based): chr16:3,744,920, C>T on the plus strand (G>A on the coding strand, the complement: CREBBP is on the minus strand). VCF-style: chr16-3744920-C-T. GRCh37 (hg19) VCF-style: chr16-3794921-C-T.
Other names: c.3842G>A, p.Arg1281Gln (NM_001079846.1); short protein forms R1319Q, R1281Q.
Identifiers: ClinVar variation 3077347 (VCV003077347.3), dbSNP rs1252438256, ClinGen allele CA394566575.
Genomic context (GRCh38, chr16:3,744,920, plus strand): 5'-CAGTCCAGGAAACAGAAAGCTTCCCGAAACTTACTCTTAGCACTGAATTTGTTTTCTTTT[C>T]GAGGTCTGCCAGTTTTCTTCAAGCAGTTGTCGCACACAAAACTGCAAAATAATAGTGGTA-3'
Protein context (NP_004371.2, residues 1309-1329): DNCLKKTGRP[Arg1319Gln]KENKFSAKRL

ClinVar aggregate classification (germline): Uncertain significance. Review status: criteria provided, multiple submitters, no conflicts (2 of 4 stars). 3 submissions from 3 submitters: Uncertain significance (2). 1 of the submissions does not count toward it. Last evaluated 2025-12-03.

Conditions:
Rubinstein-Taybi syndrome (RSTS). Identifiers: Orphanet 783, MedGen C0035934, MONDO:0019188.
Inborn genetic diseases. Identifiers: MedGen C0950123, MeSH D030342.
CREBBP-related disorder. Also called: CREBBP-related disorders; CREBBP-related condition.

Allele frequency attached by ClinVar (database versions not stated): gnomAD exomes below 0.00001.
gnomAD v4.1: 3 of 1,614,012 alleles (0.00019%); highest among the groups gnomAD compares: Non-Finnish European, 0.00025%; no homozygotes.

Submissions (3):

Labcorp Genetics (formerly Invitae), Labcorp
Classification: Uncertain significance for Rubinstein-Taybi syndrome. Last evaluated: 2025-12-03. Review status: criteria provided, single submitter. Criteria: Invitae Variant Classification Sherloc (09022015). Collection method: clinical testing. Allele origin: germline.
Comment: This sequence change replaces arginine, which is basic and polar, with glutamine, which is neutral and polar, at codon 1319 of the CREBBP protein (p.Arg1319Gln). This variant is present in population databases (no rsID available, gnomAD 0.002%). This variant has not been reported in the literature in individuals affected with CREBBP-related conditions. ClinVar contains an entry for this variant (Variation ID: 3077347). Invitae Evidence Modeling of protein sequence and biophysical properties (such as structural, functional, and spatial information, amino acid conservation, physicochemical variation, residue mobility, and thermodynamic stability) has been performed for this missense variant. However, the output from this modeling did not meet the statistical confidence thresholds required to predict the impact of this variant on CREBBP protein function. In summary, the available evidence is currently insufficient to determine the role of this variant in disease. Therefore, it has been classified as a Variant of Uncertain Significance.

Ambry Genetics
Classification: Uncertain significance for Inborn genetic diseases. Last evaluated: 2024-02-21. Review status: criteria provided, single submitter. Criteria: Ambry Variant Classification Scheme 2023. Collection method: clinical testing. Allele origin: germline.

PreventionGenetics, part of Exact Sciences
Classification: Uncertain significance for CREBBP-related condition. Last evaluated: 2023-12-15. Review status: no assertion criteria provided. Collection method: clinical testing. Allele origin: germline. Not counted in ClinVar's aggregate classification.
Comment: The CREBBP c.3956G>A variant is predicted to result in the amino acid substitution p.Arg1319Gln. To our knowledge, this variant has not been reported in the literature. This variant is reported in 0.0018% of alleles in individuals of European (Non-Finnish) descent in gnomAD. At this time, the clinical significance of this variant is uncertain due to the absence of conclusive functional and genetic evidence.